The following is an entry in ClinVar:

NM_001142800.2(EYS):c.4721T>C (p.Val1574Ala)

Gene: EYS (EGF-like photoreceptor maintenance factor; minus strand). Cytogenetic location: 6q12.
Variant type: single nucleotide variant.
Coding change: c.4721T>C on transcript NM_001142800.2 (MANE Select); coding-DNA position 4721, T replaced by C.
Protein change: p.Val1574Ala; replaces valine 1574 with alanine.
Molecular consequence: missense variant.
Genome position (GRCh38, 1-based): chr6:64,591,146, A>G on the plus strand (T>C on the coding strand, the complement: EYS is on the minus strand). VCF-style: chr6-64591146-A-G. GRCh37 (hg19) VCF-style: chr6-65301039-A-G.
Other names: c.4721T>C, p.Val1574Ala (NM_001292009.2); short protein forms V1574A.
Identifiers: ClinVar variation 1037269 (VCV001037269.11), dbSNP rs1766395456, ClinGen allele CA364782688.
Genomic context (GRCh38, chr6:64,591,146, plus strand): 5'-GCTAATATCGCTGAGTTCATCCAGAATGTCTCATAAAAGTGGGACTGTTTGCTATGCAAA[A>G]CTTGATCTGAGAATTCACGAGAGGATTTTATTTCAGTCATAGAACATGTTGCACATGTTT-3'
Protein context (NP_001136272.1, residues 1564-1584): IKSSREFSDQ[Val1574Ala]LHSKQSHFYE

ClinVar aggregate classification (germline): Uncertain significance. Review status: criteria provided, single submitter (1 of 4 stars). 2 submissions from 2 submitters: Uncertain significance (1). 1 of the submissions does not count toward it. Last evaluated 2022-11-01.

Conditions:
Retinitis pigmentosa 25 (RP25). Identifiers: Orphanet 791, MedGen C1864446, MONDO:0011272, OMIM 602772.

Allele frequency attached by ClinVar (database versions not stated): gnomAD exomes below 0.00001.
gnomAD v4.1: 1 of 1,551,356 alleles (0.000064%); highest among the groups gnomAD compares: Non-Finnish European, 0.000087%; no homozygotes.

Submissions (2):

Labcorp Genetics (formerly Invitae), Labcorp
Classification: Uncertain significance. Last evaluated: 2022-11-01. Review status: criteria provided, single submitter. Criteria: Invitae Variant Classification Sherloc (09022015). Collection method: clinical testing. Allele origin: germline.
Comment: This variant has not been reported in the literature in individuals affected with EYS-related conditions. This variant is not present in population databases (gnomAD no frequency). This sequence change replaces valine, which is neutral and non-polar, with alanine, which is neutral and non-polar, at codon 1574 of the EYS protein (p.Val1574Ala). ClinVar contains an entry for this variant (Variation ID: 1037269). Algorithms developed to predict the effect of missense changes on protein structure and function output the following: SIFT: "Tolerated"; PolyPhen-2: "Possibly Damaging"; Align-GVGD: "Class C0". The alanine amino acid residue is found in multiple mammalian species, which suggests that this missense change does not adversely affect protein function. In summary, the available evidence is currently insufficient to determine the role of this variant in disease. Therefore, it has been classified as a Variant of Uncertain Significance.

Natera, Inc.
Classification: Uncertain significance for Retinitis pigmentosa type 25. Last evaluated: 2020-08-25. Review status: no assertion criteria provided. Collection method: clinical testing. Allele origin: germline. Not counted in ClinVar's aggregate classification.